The following is an entry in ClinVar:

ClinVar aggregate classification (germline): Uncertain significance. Review status: criteria provided, multiple submitters, no conflicts (2 of 4 stars). 2 submissions from 2 submitters: Uncertain significance (2). Last evaluated 2026-08-06.

Conditions:
Microcephaly with or without chorioretinopathy, lymphedema, or impaired intellectual development. Also called: MICROCEPHALY, LYMPHEDEMA, CHORIORETINAL DYSPLASIA SYNDROME; Microcephaly lymphedema chorioretinal dysplasia; MICROCEPHALY AND CHORIORETINOPATHY WITH OR WITHOUT MENTAL RETARDATION, AUTOSOMAL DOMINANT; Microcephaly with or without chorioretinopathy, lymphedema, or mental retardation; Microcephaly with or without chorioretinopathy, lymphedema, or intellectual disability. Identifiers: Orphanet 2526, MedGen C1835265, MONDO:0007918, OMIM 152950.

gnomAD v4.1: 9 of 1,612,896 alleles (0.00056%); highest among the groups gnomAD compares: Non-Finnish European, 0.00076%; no homozygotes.

Submissions (2):

OLLIN Analises Genomicas, OLLIN
Classification: Uncertain significance for Microcephaly with or without chorioretinopathy, lymphedema, or impaired intellectual development. Last evaluated: 2026-08-06. Review status: criteria provided, single submitter. Criteria: ACMG Guidelines 2015 PMID 25741868. Collection method: clinical testing. Allele origin: germline.
Comment: This missense variant, located in exon 19 (of 22), has been observed in gnomAD with an allele frequency of 0.00056%, but has not been reported in ClinVar or identified in the literature. In silico analysis predicts that this variant has a tolerated effect. According to the currently available evidence, this variant has been classified as uncertain significance (PM2_P, BP4_M).

Labcorp Genetics (formerly Invitae), Labcorp
Classification: Uncertain significance. Last evaluated: 2026-01-07. Review status: criteria provided, single submitter. Criteria: Invitae Variant Classification Sherloc (09022015). Collection method: clinical testing. Allele origin: germline.
Comment: This sequence change replaces lysine, which is basic and polar, with asparagine, which is neutral and polar, at codon 903 of the KIF11 protein (p.Lys903Asn). This variant is not present in population databases (gnomAD no frequency). This variant has not been reported in the literature in individuals affected with KIF11-related conditions. Invitae Evidence Modeling of protein sequence and biophysical properties (such as structural, functional, and spatial information, amino acid conservation, physicochemical variation, residue mobility, and thermodynamic stability) indicates that this missense variant is not expected to disrupt KIF11 protein function with a negative predictive value of 95%. In summary, the available evidence is currently insufficient to determine the role of this variant in disease. Therefore, it has been classified as a Variant of Uncertain Significance.

NM_004523.4(KIF11):c.2709A>C (p.Lys903Asn)

Gene: KIF11 (kinesin family member 11; plus strand). Cytogenetic location: 10q23.33.
Variant type: single nucleotide variant.
Coding change: c.2709A>C on transcript NM_004523.4 (MANE Select); coding-DNA position 2709, A replaced by C.
Protein change: p.Lys903Asn; replaces lysine 903 with asparagine.
Molecular consequence: missense variant.
Genome position (GRCh38, 1-based): chr10:92,648,373, A>C. VCF-style: chr10-92648373-A-C. GRCh37 (hg19) VCF-style: chr10-94408130-A-C.
Other names: short protein forms K903N.
Identifiers: ClinVar variation 4768462 (VCV004768462.2).